The following is an entry in ClinVar:

ClinVar aggregate classification (germline): Uncertain significance. Review status: criteria provided, multiple submitters, no conflicts (2 of 4 stars). 2 submissions from 2 submitters: Uncertain significance (2). Last evaluated 2025-12-04.

Conditions:
Hereditary cancer-predisposing syndrome. Also called: Hereditary Cancer Syndrome; Neoplastic Syndromes, Hereditary; Tumor predisposition; Hereditary neoplastic syndrome. Identifiers: Orphanet 140162, MedGen C0027672, MeSH D009386, MONDO:0015356.
Cardiovascular phenotype. Identifiers: MedGen CN230736.

Allele frequency attached by ClinVar (database versions not stated): TOPMed below 0.00001.

Submissions (2):

Ambry Genetics
Classification: Uncertain significance for Cardiovascular phenotype; Hereditary cancer-predisposing syndrome. Last evaluated: 2025-12-04. Review status: criteria provided, single submitter. Criteria: Ambry Variant Classification Scheme 2023. Collection method: clinical testing. Allele origin: germline.
Comment: The p.V100M variant (also known as c.298G>A), located in coding exon 3 of the LZTR1 gene, results from a G to A substitution at nucleotide position 298. The valine at codon 100 is replaced by methionine, an amino acid with highly similar properties. This amino acid position is highly conserved in available vertebrate species. In addition, the in silico prediction for this alteration is inconclusive. Based on the available evidence, the clinical significance of this variant remains unclear.

Labcorp Genetics (formerly Invitae), Labcorp
Classification: Uncertain significance. Last evaluated: 2024-05-22. Review status: criteria provided, single submitter. Criteria: Invitae Variant Classification Sherloc (09022015). Collection method: clinical testing. Allele origin: germline.
Comment: This sequence change replaces valine, which is neutral and non-polar, with methionine, which is neutral and non-polar, at codon 100 of the LZTR1 protein (p.Val100Met). This variant is not present in population databases (gnomAD no frequency). This variant has not been reported in the literature in individuals affected with LZTR1-related conditions. Advanced modeling of protein sequence and biophysical properties (such as structural, functional, and spatial information, amino acid conservation, physicochemical variation, residue mobility, and thermodynamic stability) performed at Invitae indicates that this missense variant is not expected to disrupt LZTR1 protein function with a negative predictive value of 80%. In summary, the available evidence is currently insufficient to determine the role of this variant in disease. Therefore, it has been classified as a Variant of Uncertain Significance.

NM_006767.4(LZTR1):c.298G>A (p.Val100Met)

Gene: LZTR1 (leucine zipper like post translational regulator 1; plus strand). Cytogenetic location: 22q11.21.
Variant type: single nucleotide variant.
Coding change: c.298G>A on transcript NM_006767.4 (MANE Select); coding-DNA position 298, G replaced by A.
Protein change: p.Val100Met; replaces valine 100 with methionine.
Molecular consequence: missense variant.
Genome position (GRCh38, 1-based): chr22:20,985,875, G>A. VCF-style: chr22-20985875-G-A. GRCh37 (hg19) VCF-style: chr22-21340164-G-A.
Other names: c.298G>A (NM_006767.3); short protein forms V100M.
Identifiers: ClinVar variation 2746761 (VCV002746761.5), dbSNP rs1924363778, ClinGen allele CA410778858.
Genomic context (GRCh38, chr22:20,985,875, plus strand): 5'-CACCCTCTCTTCCGGCTGCCTTTCAGGAAGACCATGCTCAATGACCTCCTGCGGTTCGAT[G>A]TGAAAGACTGCTCCTGGTGCAGGTGGGTGGCCCCGTGCTCCAGGGCCCTGCCTTTCCTCC-3'
Protein context (NP_006758.2, residues 90-110): TMLNDLLRFD[Val100Met]KDCSWCRAFT